The following is an entry in ClinVar:

ClinVar aggregate classification (germline): Uncertain significance (1 of 4 stars; one submission).

Conditions:
Idiopathic generalized epilepsy. Also called: Generalised epilepsy; EIG. Identifiers: MedGen C0270850, MONDO:0005579, OMIM 600669.
Hyperaldosteronism, familial, type IV (HALD4). Also called: FH IV; ALDOSTERONISM, PRIMARY, AND HYPERTENSION. Identifiers: Orphanet 642671, MedGen C4310756, MONDO:0014875, OMIM 617027.

Allele frequency attached by ClinVar (database versions not stated): TOPMed 0.00001; ExAC 0.00002.
gnomAD v4.1: 19 of 1,611,880 alleles (0.0012%); highest among the groups gnomAD compares: South Asian, 0.0088%; no homozygotes.

Submission:

Labcorp Genetics (formerly Invitae), Labcorp
Classification: Uncertain significance for Idiopathic generalized epilepsy; Hyperaldosteronism, familial, type IV. Last evaluated: 2025-11-05. Review status: criteria provided, single submitter. Criteria: Invitae Variant Classification Sherloc (09022015). Collection method: clinical testing. Allele origin: germline.
Comment: This sequence change replaces arginine, which is basic and polar, with glutamine, which is neutral and polar, at codon 1571 of the CACNA1H protein (p.Arg1571Gln). This variant is present in population databases (rs752887237, gnomAD 0.01%). This variant has not been reported in the literature in individuals affected with CACNA1H-related conditions. ClinVar contains an entry for this variant (Variation ID: 2948150). Invitae Evidence Modeling of protein sequence and biophysical properties (such as structural, functional, and spatial information, amino acid conservation, physicochemical variation, residue mobility, and thermodynamic stability) indicates that this missense variant is not expected to disrupt CACNA1H protein function with a negative predictive value of 80%. In summary, the available evidence is currently insufficient to determine the role of this variant in disease. Therefore, it has been classified as a Variant of Uncertain Significance.

NM_021098.3(CACNA1H):c.4712G>A (p.Arg1571Gln)

Gene: CACNA1H (calcium voltage-gated channel subunit alpha1 H; plus strand). Cytogenetic location: 16p13.3.
Variant type: single nucleotide variant.
Coding change: c.4712G>A on transcript NM_021098.3 (MANE Select); coding-DNA position 4712, G replaced by A.
Protein change: p.Arg1571Gln; replaces arginine 1571 with glutamine.
Molecular consequence: missense variant.
Genome position (GRCh38, 1-based): chr16:1,212,091, G>A. VCF-style: chr16-1212091-G-A. GRCh37 (hg19) VCF-style: chr16-1262091-G-A.
Other names: c.4712G>A, p.Arg1571Gln (NM_001005407.2); short protein forms R1571Q.
Identifiers: ClinVar variation 2948150 (VCV002948150.3), dbSNP rs752887237, ClinGen allele CA7801496.